The following is an entry in ClinVar:

ClinVar aggregate classification (germline): Uncertain significance. Review status: criteria provided, multiple submitters, no conflicts (2 of 4 stars). 2 submissions from 2 submitters: Uncertain significance (2). Last evaluated 2024-04-09.

Conditions:
Hereditary cancer-predisposing syndrome. Also called: Hereditary neoplastic syndrome; Neoplastic Syndromes, Hereditary; Hereditary Cancer Syndrome; Tumor predisposition. Identifiers: Orphanet 140162, MedGen C0027672, MeSH D009386, MONDO:0015356.

Allele frequency attached by ClinVar (database versions not stated): gnomAD exomes 0.00002.
gnomAD v4.1: 13 of 1,613,352 alleles (0.00081%); highest among the groups gnomAD compares: Non-Finnish European, 0.0011%; no homozygotes.

Submissions (2):

Ambry Genetics
Classification: Uncertain significance for Hereditary cancer-predisposing syndrome. Last evaluated: 2024-04-09. Review status: criteria provided, single submitter. Criteria: Ambry Variant Classification Scheme 2023. Collection method: clinical testing. Allele origin: germline.
Comment: The p.K695E variant (also known as c.2083A>G), located in coding exon 14 of the MSH3 gene, results from an A to G substitution at nucleotide position 2083. The lysine at codon 695 is replaced by glutamic acid, an amino acid with similar properties. This amino acid position is conserved. In addition, the in silico prediction for this alteration is inconclusive. Based on the available evidence, the clinical significance of this variant remains unclear.

Labcorp Genetics (formerly Invitae), Labcorp
Classification: Uncertain significance. Last evaluated: 2019-11-16. Review status: criteria provided, single submitter. Criteria: Invitae Variant Classification Sherloc (09022015). Collection method: clinical testing. Allele origin: germline.
Comment: This sequence change replaces lysine with glutamic acid at codon 695 of the MSH3 protein (p.Lys695Glu). The lysine residue is moderately conserved and there is a small physicochemical difference between lysine and glutamic acid. In summary, the available evidence is currently insufficient to determine the role of this variant in disease. Therefore, it has been classified as a Variant of Uncertain Significance. Algorithms developed to predict the effect of missense changes on protein structure and function are either unavailable or do not agree on the potential impact of this missense change (SIFT: "Tolerated"; PolyPhen-2: "Possibly Damaging"; Align-GVGD: "Class C0"). This variant has not been reported in the literature in individuals with MSH3-related disease. This variant is not present in population databases (ExAC no frequency).

NM_002439.5(MSH3):c.2083A>G (p.Lys695Glu)

Gene: MSH3 (mutS homolog 3; plus strand). Cytogenetic location: 5q14.1.
Variant type: single nucleotide variant.
Coding change: c.2083A>G on transcript NM_002439.5 (MANE Select); coding-DNA position 2083, A replaced by G.
Protein change: p.Lys695Glu; replaces lysine 695 with glutamic acid.
Molecular consequence: missense variant.
Genome position (GRCh38, 1-based): chr5:80,768,119, A>G. VCF-style: chr5-80768119-A-G. GRCh37 (hg19) VCF-style: chr5-80063938-A-G.
Other names: c.2083A>G (NM_002439.3); short protein forms K695E.
Identifiers: ClinVar variation 660249 (VCV000660249.11), dbSNP rs1580034033, ClinGen allele CA360278012.
Genomic context (GRCh38, chr5:80,768,119, plus strand): 5'-ATTCCTGAACTCCTCAGTCCAGTGGAGCATTACTTAAAGATACTCAATGAACAAGCTGCC[A>G]AGTAAGTACCAGACCCTGAATTCTTCCTTTTCACCAGTCAGTATAATTCAGTGCATTTGC-3'
Protein context (NP_002430.3, residues 685-705): YLKILNEQAA[Lys695Glu]VGDKTELFKD